The following is an entry in ClinVar:

NM_003079.5(SMARCE1):c.793T>A (p.Ser265Thr)

Gene: SMARCE1 (SWI/SNF related BAF chromatin remodeling complex subunit E1; minus strand). Cytogenetic location: 17q21.2.
Variant type: single nucleotide variant.
Coding change: c.793T>A on transcript NM_003079.5 (MANE Select); coding-DNA position 793, T replaced by A.
Protein change: p.Ser265Thr; replaces serine 265 with threonine.
Molecular consequence: missense variant.
Genome position (GRCh38, 1-based): chr17:40,631,615, A>T on the plus strand (T>A on the coding strand, the complement: SMARCE1 is on the minus strand). VCF-style: chr17-40631615-A-T. GRCh37 (hg19) VCF-style: chr17-38787867-A-T.
Other names: short protein forms S265T.
Identifiers: ClinVar variation 5029957 (VCV005029957.1).
Genomic context (GRCh38, chr17:40,631,615, plus strand): 5'-TAGTGATAAAAGTATAGTTAACATATTAAACAGATACCCTTTTAAGTTCATTGTTAAATG[A>T]ATCTGTGCTTTCCAGGAATTTCCTCTTCTTCTCCTGGTGTCGTTCCTCTATTTGAAGAAG-3'
Protein context (NP_003070.3, residues 255-275): KKRKFLESTD[Ser265Thr]FNNELKRLCG

ClinVar aggregate classification (germline): Uncertain significance (1 of 4 stars; one submission).

Conditions:
Hereditary cancer-predisposing syndrome. Also called: Neoplastic Syndromes, Hereditary; Tumor predisposition; Hereditary neoplastic syndrome; Hereditary Cancer Syndrome. Identifiers: Orphanet 140162, MedGen C0027672, MeSH D009386, MONDO:0015356.

gnomAD v4.1: 1 of 1,590,004 alleles (0.000063%); highest among the groups gnomAD compares: Non-Finnish European, 0.000086%; no homozygotes.

Submission:

Ambry Genetics
Classification: Uncertain significance for Hereditary cancer-predisposing syndrome. Last evaluated: 2026-09-08. Review status: criteria provided, single submitter. Criteria: Ambry Variant Classification Scheme 2023. Collection method: clinical testing. Allele origin: germline.
Comment: The p.S265T variant (also known as c.793T>A), located in coding exon 8 of the SMARCE1 gene, results from a T to A substitution at nucleotide position 793. The serine at codon 265 is replaced by threonine, an amino acid with similar properties. This amino acid position is conserved. In addition, this alteration is predicted to be tolerated by in silico analysis. Based on the available evidence, the clinical significance of this variant remains unclear.